The following is an entry in ClinVar:

ClinVar aggregate classification (germline): Likely benign (1 of 4 stars; one submission).

Allele frequency attached by ClinVar (database versions not stated): TOPMed 0.00001; gnomAD 0.00002.
gnomAD v4.1: 2 of 111,853 alleles (0.0018%); highest among the groups gnomAD compares: Non-Finnish European, 0.0038%; no homozygotes.

Submission:

CeGaT Center for Human Genetics Tuebingen
Classification: Likely benign. Last evaluated: 2023-05-01. Review status: criteria provided, single submitter. Criteria: CeGaT Center For Human Genetics Tuebingen Variant Classification Criteria Version 2. Collection method: clinical testing. Allele origin: germline. Affected: yes. Observed: 1 variant allele.
Comment: FRMPD4: BP4

NM_001368395.3(FRMPD4):c.152+7A>G

Gene: FRMPD4 (FERM and PDZ domain containing 4; plus strand). Cytogenetic location: Xp22.2.
Variant type: single nucleotide variant.
Coding change: c.152+7A>G on transcript NM_001368395.3; 7 bases into the intron after coding-DNA position 152, A replaced by G.
Molecular consequence: intron variant.
Genome position (GRCh38, 1-based): chrX:11,878,025, A>G. VCF-style: chrX-11878025-A-G. GRCh37 (hg19) VCF-style: chrX-11896144-A-G.
Other names: c.152+7A>G (NM_001368398.3).
Identifiers: ClinVar variation 2660000 (VCV002660000.22), dbSNP rs1333358798, ClinGen allele CA870605428.
Genomic context (GRCh38, chrX:11,878,025, plus strand): 5'-CATTCCCTGGTGCTTCAGCAGGGCAGCTGAGGATGAAGGAGAACATATTTGCCAGTGAGT[A>G]ATGGTCTTCAAGGAAAAAATATCAGGGGTCTTATTGTTGCTTTCTGAGATGAGCTTGTGC-3'